The following is an entry in ClinVar:

ClinVar aggregate classification (germline): Uncertain significance (1 of 4 stars; one submission).

Conditions:
Joubert syndrome. Also called: CEREBELLOPARENCHYMAL DISORDER IV; JOUBERT-BOLTSHAUSER SYNDROME; Familial aplasia of the vermis. Identifiers: Orphanet 475, MedGen C5979921, MONDO:0018772.
Meckel-Gruber syndrome. Also called: DYSENCEPHALIA SPLANCHNOCYSTICA; GRUBER SYNDROME; Dysencephalia splachnocystica. Identifiers: Orphanet 564, MedGen C0265215, MONDO:0018921.

Submission:

Labcorp Genetics (formerly Invitae), Labcorp
Classification: Uncertain significance for Joubert syndrome; Meckel-Gruber syndrome. Last evaluated: 2022-04-28. Review status: criteria provided, single submitter. Criteria: Invitae Variant Classification Sherloc (09022015). Collection method: clinical testing. Allele origin: germline.
Comment: Algorithms developed to predict the effect of missense changes on protein structure and function output the following: SIFT: "Tolerated"; PolyPhen-2: "Benign"; Align-GVGD: "Class C0". The aspartic acid amino acid residue is found in multiple mammalian species, which suggests that this missense change does not adversely affect protein function. In summary, the available evidence is currently insufficient to determine the role of this variant in disease. Therefore, it has been classified as a Variant of Uncertain Significance. This variant has not been reported in the literature in individuals affected with RPGRIP1L-related conditions. This variant is not present in population databases (gnomAD no frequency). This sequence change replaces valine, which is neutral and non-polar, with aspartic acid, which is acidic and polar, at codon 1074 of the RPGRIP1L protein (p.Val1074Asp).

NM_015272.5(RPGRIP1L):c.3221T>A (p.Val1074Asp)

Gene: RPGRIP1L (RPGRIP1 like; minus strand). Cytogenetic location: 16q12.2.
Variant type: single nucleotide variant.
Coding change: c.3221T>A on transcript NM_015272.5 (MANE Select); coding-DNA position 3221, T replaced by A.
Protein change: p.Val1074Asp; replaces valine 1074 with aspartic acid.
Molecular consequence: missense variant.
Genome position (GRCh38, 1-based): chr16:53,636,512, A>T on the plus strand (T>A on the coding strand, the complement: RPGRIP1L is on the minus strand). VCF-style: chr16-53636512-A-T. GRCh37 (hg19) VCF-style: chr16-53670424-A-T.
Other names: c.3119T>A, p.Val1040Asp (NM_001127897.4, NM_001330538.2); c.3221T>A, p.Val1074Asp (NM_001308334.3); short protein forms V1040D, V1074D.
Identifiers: ClinVar variation 2131288 (VCV002131288.4), dbSNP rs1301760105, ClinGen allele CA395925891.
Genomic context (GRCh38, chr16:53,636,512, plus strand): 5'-TTGGAGATAGGACCTGGAATAATACAGTCATCACTGTCAGAAGCTGACATGTCCTCTTCA[A>T]CTGTTTAAAAAATAAAAGGGTAACATTTACACAAGTTAAACCAATTCTACTTATACCCTG-3'
Protein context (NP_056087.2, residues 1064-1084): TEITEDLEPE[Val1074Asp]EEDMSASDSD